The following is an entry in ClinVar:

NM_001377137.1(GBF1):c.5317G>A (p.Glu1773Lys)

Gene: GBF1 (golgi brefeldin A resistant guanine nucleotide exchange factor 1; plus strand). Cytogenetic location: 10q24.32.
Variant type: single nucleotide variant.
Coding change: c.5317G>A on transcript NM_001377137.1 (MANE Select); coding-DNA position 5317, G replaced by A.
Protein change: p.Glu1773Lys; replaces glutamic acid 1773 with lysine.
Molecular consequence: missense variant. On other transcripts: non-coding transcript variant (5).
Genome position (GRCh38, 1-based): chr10:102,382,070, G>A. VCF-style: chr10-102382070-G-A. GRCh37 (hg19) VCF-style: chr10-104141827-G-A.
Other names: c.5305G>A, p.Glu1769Lys (NM_001199378.2, NM_001391923.1); c.5302G>A, p.Glu1768Lys (NM_001199379.2, NM_001391924.1); c.5266G>A, p.Glu1756Lys (NM_001377138.1); c.5020G>A, p.Glu1674Lys (NM_001377139.1, NM_001391930.1); c.5008G>A, p.Glu1670Lys (NM_001377140.1); c.5314G>A, p.Glu1772Lys (NM_001377141.1, NM_004193.3); c.5401G>A, p.Glu1801Lys (NM_001391922.1); c.5278G>A, p.Glu1760Lys (NM_001391925.1); and 7 more; short protein forms E1670K, E1721K, E1768K, E1773K, E1797K, E1642K, E1689K, E1725K.
Identifiers: ClinVar variation 4732666 (VCV004732666.1).

ClinVar aggregate classification (germline): Uncertain significance (1 of 4 stars; one submission).

gnomAD v4.1: 48 of 1,548,990 alleles (0.0031%); highest among the groups gnomAD compares: Non-Finnish European, 0.0038%; no homozygotes.

Submission:

Labcorp Genetics (formerly Invitae), Labcorp
Classification: Uncertain significance. Last evaluated: 2025-12-12. Review status: criteria provided, single submitter. Criteria: Invitae Variant Classification Sherloc (09022015). Collection method: clinical testing. Allele origin: germline.
Comment: This sequence change replaces glutamic acid, which is acidic and polar, with lysine, which is basic and polar, at codon 1772 of the GBF1 protein (p.Glu1772Lys). This variant is present in population databases (rs528679712, gnomAD 0.003%). This variant has not been reported in the literature in individuals affected with GBF1-related conditions. An algorithm developed to predict the effect of missense changes on protein structure and function outputs the following: PolyPhen-2: "Benign". The lysine amino acid residue is found in multiple mammalian species, which suggests that this missense change does not adversely affect protein function. In summary, the available evidence is currently insufficient to determine the role of this variant in disease. Therefore, it has been classified as a Variant of Uncertain Significance.